The following is an entry in ClinVar:

ClinVar aggregate classification (germline): Uncertain significance (1 of 4 stars; one submission).

Conditions:
Familial thoracic aortic aneurysm and aortic dissection (TAAD). Also called: Thoracic aortic aneurysms and dissections. Identifiers: Orphanet 91387, MedGen C4707243, MONDO:0019625.

gnomAD v4.1: 1 of 1,613,764 alleles (0.000062%); highest among the groups gnomAD compares: African/African-American, 0.0013%; no homozygotes.

Submission:

Ambry Genetics
Classification: Uncertain significance for Familial thoracic aortic aneurysm and aortic dissection. Last evaluated: 2025-04-09. Review status: criteria provided, single submitter. Criteria: Ambry Variant Classification Scheme 2023. Collection method: clinical testing. Allele origin: germline.
Comment: The p.P2827H variant (also known as c.8480C>A), located in coding exon 65 of the FBN2 gene, results from a C to A substitution at nucleotide position 8480. The proline at codon 2827 is replaced by histidine, an amino acid with similar properties. This amino acid position is not well conserved in available vertebrate species. In addition, the in silico prediction for this alteration is inconclusive. Based on the available evidence, the clinical significance of this variant remains unclear.

NM_001999.4(FBN2):c.8480C>A (p.Pro2827His)

Gene: FBN2 (fibrillin 2; minus strand). Cytogenetic location: 5q23.3.
Variant type: single nucleotide variant.
Coding change: c.8480C>A on transcript NM_001999.4 (MANE Select); coding-DNA position 8480, C replaced by A.
Protein change: p.Pro2827His; replaces proline 2827 with histidine.
Molecular consequence: missense variant.
Genome position (GRCh38, 1-based): chr5:128,259,714, G>T on the plus strand (C>A on the coding strand, the complement: FBN2 is on the minus strand). VCF-style: chr5-128259714-G-T. GRCh37 (hg19) VCF-style: chr5-127595406-G-T.
Other names: short protein forms P2827H.
Identifiers: ClinVar variation 4023446 (VCV004023446.1).